The following is an entry in ClinVar:

ClinVar aggregate classification (germline): Uncertain significance (1 of 4 stars; one submission).

Conditions:
Neuroblastoma, susceptibility to, 3. Also called: ALK-Related Neuroblastic Tumor Susceptibility. Identifiers: Orphanet 635, MedGen C2751681, MONDO:0013083, OMIM 613014.

Allele frequency attached by ClinVar (database versions not stated): gnomAD exomes below 0.00001.
gnomAD v4.1: 1 of 1,613,536 alleles (0.000062%); highest among the groups gnomAD compares: Non-Finnish European, 0.000085%; no homozygotes.

Submission:

Labcorp Genetics (formerly Invitae), Labcorp
Classification: Uncertain significance for Neuroblastoma, susceptibility to, 3. Last evaluated: 2019-12-30. Review status: criteria provided, single submitter. Criteria: Invitae Variant Classification Sherloc (09022015). Collection method: clinical testing. Allele origin: germline.
Comment: This variant has not been reported in the literature in individuals with ALK-related conditions. This variant is not present in population databases (ExAC no frequency). This sequence change replaces glycine with serine at codon 738 of the ALK protein (p.Gly738Ser). The glycine residue is highly conserved and there is a small physicochemical difference between glycine and serine. Algorithms developed to predict the effect of missense changes on protein structure and function (SIFT, PolyPhen-2, Align-GVGD) all suggest that this variant is likely to be disruptive, but these predictions have not been confirmed by published functional studies and their clinical significance is uncertain. In summary, the available evidence is currently insufficient to determine the role of this variant in disease. Therefore, it has been classified as a Variant of Uncertain Significance.

NM_004304.5(ALK):c.2212G>A (p.Gly738Ser)

Gene: ALK (ALK receptor tyrosine kinase; minus strand). Cytogenetic location: 2p23.2.
Variant type: single nucleotide variant.
Coding change: c.2212G>A on transcript NM_004304.5 (MANE Select); coding-DNA position 2212, G replaced by A.
Protein change: p.Gly738Ser; replaces glycine 738 with serine.
Molecular consequence: missense variant.
Genome position (GRCh38, 1-based): chr2:29,239,823, C>T on the plus strand (G>A on the coding strand, the complement: ALK is on the minus strand). VCF-style: chr2-29239823-C-T. GRCh37 (hg19) VCF-style: chr2-29462689-C-T.
Other names: short protein forms G738S.
Identifiers: ClinVar variation 843410 (VCV000843410.10), dbSNP rs1375509946, ClinGen allele CA346474790.